The following is an entry in ClinVar:

ClinVar aggregate classification (germline): Likely pathogenic (1 of 4 stars; one submission).

Submission:

Athena Diagnostics
Classification: Likely pathogenic. Last evaluated: 2018-09-18. Review status: criteria provided, single submitter. Criteria: Athena Diagnostics Criteria. Collection method: clinical testing. Allele origin: germline.
Comment: The variant results in a shift of the reading frame, and is therefore predicted to significantly disrupt the protein structure. The best available variant frequency is uninformative because there are too few occurrences in population data.

NM_014053.4(FLVCR1):c.1554_1555del (p.His518fs)

Gene: FLVCR1 (FLVCR choline and heme transporter 1; plus strand). Cytogenetic location: 1q32.3.
Variant type: Microsatellite.
Coding change: c.1554_1555del on transcript NM_014053.4 (MANE Select); coding-DNA positions 1554 to 1555, 2 bases deleted (CA; older notation c.1554_1555delCA).
Protein change: p.His518fs; shifts the reading frame from histidine 518.
Molecular consequence: frameshift variant.
Genome position (GRCh38, 1-based): chr1:212,895,014-212,895,015, CA deleted; deleting any 2 consecutive bases within chr1:212,895,011-212,895,015 gives the same sequence; the c. name uses the placement nearest the transcript's 3' end. VCF-style (leftmost placement, unchanged base first): chr1-212895010-GAC-G. GRCh37 (hg19) VCF-style: chr1-213068352-GAC-G.
Other names: short protein forms H518fs.
Identifiers: ClinVar variation 804810 (VCV000804810.1), dbSNP rs777543198, ClinGen allele CA1386184.